The following is an entry in ClinVar:

NM_000257.4(MYH7):c.895+5G>C

Gene: MYH7 (myosin heavy chain 7; minus strand). Cytogenetic location: 14q11.2.
Variant type: single nucleotide variant.
Coding change: c.895+5G>C on transcript NM_000257.4 (MANE Select); 5 bases into the intron after coding-DNA position 895, G replaced by C.
Molecular consequence: intron variant.
Genome position (GRCh38, 1-based): chr14:23,430,896, C>G on the plus strand (G>C on the coding strand, the complement: MYH7 is on the minus strand). VCF-style: chr14-23430896-C-G. GRCh37 (hg19) VCF-style: chr14-23900105-C-G.
Identifiers: ClinVar variation 1189236 (VCV001189236.4), dbSNP rs779651013, ClinGen allele CA2499222597.

ClinVar aggregate classification (germline): Uncertain significance. Review status: criteria provided, multiple submitters, no conflicts (2 of 4 stars). 2 submissions from 2 submitters: Uncertain significance (2). Last evaluated 2021-08-05.

Conditions:
Cardiovascular phenotype. Identifiers: MedGen CN230736.

Submissions (2):

Ambry Genetics
Classification: Uncertain significance for Cardiovascular phenotype. Last evaluated: 2021-08-05. Review status: criteria provided, single submitter. Criteria: Ambry Variant Classification Scheme 2023. Collection method: clinical testing. Allele origin: germline.
Comment: The c.895+5G>C intronic variant results from a G to C substitution 5 nucleotides after coding exon 8 in the MYH7 gene. This nucleotide position is highly conserved in available vertebrate species. In silico splice site analysis predicts that this alteration will weaken the native splice donor site. Since supporting evidence is limited at this time, the clinical significance of this alteration remains unclear.

GeneDx
Classification: Uncertain significance. Last evaluated: 2020-02-10. Review status: criteria provided, single submitter. Criteria: GeneDx Variant Classification Process June 2021. Collection method: clinical testing. Allele origin: germline. Affected: yes.
Comment: Has not been previously published as pathogenic or benign to our knowledge; Not observed in large population cohorts (Lek et al., 2016); In silico analysis supports a deleterious effect on splicing